The following is an entry in ClinVar:

NM_018990.4(SASH3):c.595G>A (p.Gly199Arg)

Gene: SASH3 (SAM and SH3 domain containing 3; plus strand). Cytogenetic location: Xq26.1.
Variant type: single nucleotide variant.
Coding change: c.595G>A on transcript NM_018990.4 (MANE Select); coding-DNA position 595, G replaced by A.
Protein change: p.Gly199Arg; replaces glycine 199 with arginine.
Molecular consequence: missense variant.
Genome position (GRCh38, 1-based): chrX:129,792,630, G>A. VCF-style: chrX-129792630-G-A. GRCh37 (hg19) VCF-style: chrX-128926606-G-A.
Other names: short protein forms G199R.
Identifiers: ClinVar variation 2662194 (VCV002662194.3), dbSNP rs967959753, ClinGen allele CA335085565.

ClinVar aggregate classification (germline): Uncertain significance. Review status: criteria provided, multiple submitters, no conflicts (2 of 4 stars). 2 submissions from 2 submitters: Uncertain significance (2). Last evaluated 2026-09-15.

Allele frequency attached by ClinVar (database versions not stated): gnomAD exomes below 0.00001; TOPMed 0.00001.
gnomAD v4.1: 1 of 1,210,059 alleles (0.000083%); highest among the groups gnomAD compares: African/African-American, 0.0017%; no homozygotes.

Submissions (2):

GeneDx
Classification: Uncertain significance. Last evaluated: 2026-09-15. Review status: criteria provided, single submitter. Criteria: GeneDx Variant Classification Process June 2021. Collection method: clinical testing. Allele origin: germline.
Comment: In silico analysis supports that this missense variant has a deleterious effect on protein structure/function; Has not been previously published as pathogenic or benign to our knowledge

Ambry Genetics
Classification: Uncertain significance. Last evaluated: 2024-04-15. Review status: criteria provided, single submitter. Criteria: Ambry Variant Classification Scheme 2023. Collection method: clinical testing. Allele origin: germline.